The following is an entry in ClinVar:

NC_000019.9:g.(?_1397025)_1397484del

Gene: GAMT (guanidinoacetate N-methyltransferase; minus strand). Cytogenetic location: 19p13.3.
Variant type: Deletion.
Identifiers: ClinVar variation 1698601 (VCV001698601.1).

ClinVar aggregate classification (germline): Uncertain significance (1 of 4 stars; one submission).

Submission:

Women's Health and Genetics/Laboratory Corporation of America, LabCorp
Classification: Uncertain significance. Last evaluated: 2022-06-21. Review status: criteria provided, single submitter. Criteria: LabCorp Variant Classification Summary - May 2015. Collection method: clinical testing. Allele origin: germline.
Comment: Variant summary: The variant, c.585_(*333_?)del, identified by MLPA or other technology involves the partial deletion of exon 6 (i.e. the last exon), and extends beyond the GAMT gene. A presumed nomenclature of c.585_(*333_?)del has been designated for the purposes of this classification. Although exact breakpoints of this deletion are not known, it is not expected to cause nonsense mediated decay (NMD), but is predicted to cause a truncation of the encoded protein (removing amino acids 195-236), and likely replacing it with an incorrect sequence. The variant was absent in 21694 control chromosomes (gnomAD database, structural variants dataset). To our knowledge, no occurrence of c.585_(*333_?)del in individuals affected with Cerebral Creatine Deficiency Syndrome 2 and no experimental evidence demonstrating its impact on protein function have been reported. A truncating variant (p.Arg204fs) downstream from the amino acid position 195 is reported in affected individuals (HGMD), which might indicate a functional importance for the deleted protein region. No clinical diagnostic laboratories have submitted clinical-significance assessments for this variant to ClinVar after 2014. Based on the evidence outlined above, the variant was classified as VUS-possibly pathogenic.